The following is an entry in ClinVar:

NM_000548.5(TSC2):c.2017G>C (p.Ala673Pro)

Gene: TSC2 (TSC complex subunit 2; plus strand). Cytogenetic location: 16p13.3.
Variant type: single nucleotide variant.
Coding change: c.2017G>C on transcript NM_000548.5 (MANE Select); coding-DNA position 2017, G replaced by C.
Protein change: p.Ala673Pro; replaces alanine 673 with proline.
Molecular consequence: missense variant.
Genome position (GRCh38, 1-based): chr16:2,071,854, G>C. VCF-style: chr16-2071854-G-C. GRCh37 (hg19) VCF-style: chr16-2121855-G-C.
Other names: c.2017G>C, p.Ala673Pro (NM_001077183.3, NM_001114382.3, NM_001363528.2 and 6 more transcripts); c.1906G>C, p.Ala636Pro (NM_001318827.2, NM_001406670.1, NM_001406678.1); c.1870G>C, p.Ala624Pro (NM_001318829.2, NM_001406679.1, NM_001406675.1 and 1 more transcripts); c.1417G>C, p.Ala473Pro (NM_001318831.2, NM_001406680.1, NM_001406682.1 and 6 more transcripts); c.2050G>C, p.Ala684Pro (NM_001318832.2); c.1555G>C, p.Ala519Pro (NM_001406681.1); c.673G>C, p.Ala225Pro (NM_001406689.1, NM_001406690.1, NM_001406691.1 and 6 more transcripts); c.415G>C, p.Ala139Pro (NM_001406698.1); and 3 more; short protein forms A624P, A636P, A703P, A669P, A673P, A139P, A225P, A684P.
Identifiers: ClinVar variation 1784483 (VCV001784483.4), dbSNP rs2151306062, ClinGen allele CA394274491.

ClinVar aggregate classification (germline): Uncertain significance. Review status: criteria provided, multiple submitters, no conflicts (2 of 4 stars). 3 submissions from 3 submitters: Uncertain significance (3). Last evaluated 2025-04-07.

Conditions:
Tuberous sclerosis syndrome (TSC). Also called: Tuberous Sclerosis Complex; Tuberous sclerosis. Identifiers: Orphanet 805, MedGen C0041341, MONDO:0001734.
Hereditary cancer-predisposing syndrome. Also called: Tumor predisposition; Neoplastic Syndromes, Hereditary; Hereditary Cancer Syndrome; Hereditary neoplastic syndrome. Identifiers: Orphanet 140162, MedGen C0027672, MeSH D009386, MONDO:0015356.
Tuberous sclerosis 2 (TSC2). Identifiers: Orphanet 805, MedGen C1860707, MONDO:0013199, OMIM 613254.

Submissions (3):

Labcorp Genetics (formerly Invitae), Labcorp
Classification: Uncertain significance for Tuberous sclerosis 2. Last evaluated: 2025-04-07. Review status: criteria provided, single submitter. Criteria: Invitae Variant Classification Sherloc (09022015). Collection method: clinical testing. Allele origin: germline.
Comment: This sequence change replaces alanine, which is neutral and non-polar, with proline, which is neutral and non-polar, at codon 673 of the TSC2 protein (p.Ala673Pro). This variant is not present in population databases (gnomAD no frequency). This variant has not been reported in the literature in individuals affected with TSC2-related conditions. ClinVar contains an entry for this variant (Variation ID: 1784483). Invitae Evidence Modeling of protein sequence and biophysical properties (such as structural, functional, and spatial information, amino acid conservation, physicochemical variation, residue mobility, and thermodynamic stability) indicates that this missense variant is not expected to disrupt TSC2 protein function with a negative predictive value of 95%. In summary, the available evidence is currently insufficient to determine the role of this variant in disease. Therefore, it has been classified as a Variant of Uncertain Significance.

All of Us Research Program, National Institutes of Health
Classification: Uncertain significance for Tuberous sclerosis syndrome. Last evaluated: 2023-07-10. Review status: criteria provided, single submitter. Criteria: ACMG Guidelines, 2015. Collection method: clinical testing. Allele origin: germline. Inheritance: Autosomal dominant inheritance. Observed: 1 variant allele, 1 heterozygote.
Comment: This missense variant replaces alanine with proline at codon 673 of the TSC2 protein. Computational prediction suggests that this variant may not impact protein structure and function (internally defined REVEL score threshold <= 0.5, PMID: 27666373). To our knowledge, functional studies have not been reported for this variant. This variant has not been reported in individuals affected with TSC2-related disorders in the literature. This variant has not been identified in the general population by the Genome Aggregation Database (gnomAD). The available evidence is insufficient to determine the role of this variant in disease conclusively. Therefore, this variant is classified as a Variant of Uncertain Significance.

This study involves interpretation of variants in research participants for the purpose of population health screening. Participant phenotype was not available at the time of variant classification. Additional details can be found in publication PMID: 35346344, PMCID: PMC8962531

Ambry Genetics
Classification: Uncertain significance for Hereditary cancer-predisposing syndrome. Last evaluated: 2022-04-22. Review status: criteria provided, single submitter. Criteria: Ambry Variant Classification Scheme 2023. Collection method: clinical testing. Allele origin: germline.
Comment: The p.A673P variant (also known as c.2017G>C), located in coding exon 18 of the TSC2 gene, results from a G to C substitution at nucleotide position 2017. The alanine at codon 673 is replaced by proline, an amino acid with highly similar properties. This amino acid position is conserved. In addition, this alteration is predicted to be tolerated by in silico analysis. Since supporting evidence is limited at this time, the clinical significance of this alteration remains unclear.